The following is an entry in ClinVar:

NM_001291303.3(FAT4):c.8753A>G (p.Glu2918Gly)

Gene: FAT4 (FAT atypical cadherin 4; plus strand). Cytogenetic location: 4q28.1.
Variant type: single nucleotide variant.
Coding change: c.8753A>G on transcript NM_001291303.3 (MANE Select); coding-DNA position 8753, A replaced by G.
Protein change: p.Glu2918Gly; replaces glutamic acid 2918 with glycine.
Molecular consequence: missense variant.
Genome position (GRCh38, 1-based): chr4:125,449,763, A>G. VCF-style: chr4-125449763-A-G. GRCh37 (hg19) VCF-style: chr4-126370918-A-G.
Other names: c.8753A>G, p.Glu2918Gly (NM_001291285.3); c.8747A>G, p.Glu2916Gly (NM_024582.6); short protein forms E2918G, E2916G.
Identifiers: ClinVar variation 1028322 (VCV001028322.4), dbSNP rs762206992, ClinGen allele CA3073419.

ClinVar aggregate classification (germline): Uncertain significance. Review status: criteria provided, multiple submitters, no conflicts (2 of 4 stars). 3 submissions from 3 submitters: Uncertain significance (3). Last evaluated 2024-08-28.

Conditions:
Hennekam lymphangiectasia-lymphedema syndrome 2 (HKLLS2). Identifiers: Orphanet 2136, MedGen C4014939, MONDO:0014454, OMIM 616006.

Allele frequency attached by ClinVar (database versions not stated): ExAC 0.00001; gnomAD exomes 0.00001.
gnomAD v4.1: 5 of 1,613,816 alleles (0.00031%); highest among the groups gnomAD compares: Middle Eastern, 0.082%; no homozygotes.

Submissions (3):

Labcorp Genetics (formerly Invitae), Labcorp
Classification: Uncertain significance. Last evaluated: 2024-08-28. Review status: criteria provided, single submitter. Criteria: Invitae Variant Classification Sherloc (09022015). Collection method: clinical testing. Allele origin: germline.
Comment: This sequence change replaces glutamic acid, which is acidic and polar, with glycine, which is neutral and non-polar, at codon 2916 of the FAT4 protein (p.Glu2916Gly). This variant is present in population databases (rs762206992, gnomAD 0.0009%). This variant has not been reported in the literature in individuals affected with FAT4-related conditions. ClinVar contains an entry for this variant (Variation ID: 1028322). Invitae Evidence Modeling of protein sequence and biophysical properties (such as structural, functional, and spatial information, amino acid conservation, physicochemical variation, residue mobility, and thermodynamic stability) indicates that this missense variant is not expected to disrupt FAT4 protein function with a negative predictive value of 95%. In summary, the available evidence is currently insufficient to determine the role of this variant in disease. Therefore, it has been classified as a Variant of Uncertain Significance.

Blueprint Genetics
Classification: Uncertain significance. Last evaluated: 2022-03-09. Review status: criteria provided, single submitter. Criteria: ACMG Guidelines, 2015. Collection method: clinical testing. Allele origin: germline.

Baylor Genetics
Classification: Uncertain significance for Hennekam lymphangiectasia-lymphedema syndrome 2. Last evaluated: 2020-05-05. Review status: criteria provided, single submitter. Criteria: ACMG Guidelines, 2015. Collection method: clinical testing. Allele origin: unknown. Affected: yes.
Comment: This variant was determined to be of uncertain significance according to ACMG Guidelines, 2015 [PMID:25741868].